The following is an entry in ClinVar:

NM_000157.4(GBA1):c.371T>G (p.Met124Arg)

Genes: GBA1 (glucosylceramidase beta 1; minus strand), LOC106627981 (GBA recombination region; plus strand). Cytogenetic location: 1q22.
Variant type: single nucleotide variant.
Coding change: c.371T>G on transcript NM_000157.4 (MANE Select); coding-DNA position 371, T replaced by G.
Protein change: p.Met124Arg; replaces methionine 124 with arginine.
Molecular consequence: missense variant. On other transcripts: intron variant (1).
Genome position (GRCh38, 1-based): chr1:155,239,699, A>C on the plus strand (T>G on the coding strand, the complement: GBA1 is on the minus strand). VCF-style: chr1-155239699-A-C. GRCh37 (hg19) VCF-style: chr1-155209490-A-C.
Other names: p.Met124Arg; c.371T>G, p.Met124Arg (NM_001005741.3, NM_001005742.3); c.110T>G, p.Met37Arg (NM_001171811.2); c.307+187T>G (NM_001171812.2); short protein forms M124R, M37R.
Identifiers: ClinVar variation 4823896 (VCV004823896.1).

ClinVar aggregate classification (germline): Likely pathogenic (1 of 4 stars; one submission).

Conditions:
Gaucher disease type II (GD2). Also called: GAUCHER DISEASE, ACUTE NEURONOPATHIC TYPE; GD II; Acute neuronopathic Gaucher's disease; Type 2 Gaucher disease (Acute; Infantile). Identifiers: Orphanet 77260, MedGen C0268250, MONDO:0009266, OMIM 230900.

gnomAD v4.1: 1 of 1,614,140 alleles (0.000062%); highest among the groups gnomAD compares: South Asian, 0.0011%; no homozygotes.

Submission:

Foundation for Research in Genetics and Endocrinology, FRIGE's Institute of Human Genetics
Classification: Likely pathogenic for Gaucher disease type II. Last evaluated: 2016-04-01. Review status: criteria provided, single submitter. Criteria: ACMG Guidelines, 2015. Collection method: clinical testing. Allele origin: germline. Inheritance: Autosomal recessive inheritance. Affected: yes. Observed: 1 variant allele, 1 compound heterozygote.
Comment: A heterozygous missense variant in exon 4 of the GBA1 gene that results in the amino acid substitution of Arginine for Methionine at codon 124 was detected. The observed variant c.371T>G has not been reported in the 1000 genomes and has a minor allele frequency of 0.0004% in the gnomAD databases. The in-silico prediction of the variant is deleterious by MutationTaster2, DANN, FATHMM. In summary, the variant meets our criteria to be classified as likely pathogenic.